The following is an entry in ClinVar:

NM_004423.4(DVL3):c.706A>G (p.Ser236Gly)

Gene: DVL3 (dishevelled segment polarity protein 3; plus strand). Cytogenetic location: 3q27.1.
Variant type: single nucleotide variant.
Coding change: c.706A>G on transcript NM_004423.4 (MANE Select); coding-DNA position 706, A replaced by G.
Protein change: p.Ser236Gly; replaces serine 236 with glycine.
Molecular consequence: missense variant.
Genome position (GRCh38, 1-based): chr3:184,165,434, A>G. VCF-style: chr3-184165434-A-G. GRCh37 (hg19) VCF-style: chr3-183883222-A-G.
Other names: short protein forms S236G.
Identifiers: ClinVar variation 931200 (VCV000931200.3), dbSNP rs1714548192, ClinGen allele CA355407998.

ClinVar aggregate classification (germline): Uncertain significance (1 of 4 stars; one submission).

Conditions:
Autosomal dominant Robinow syndrome 3. Identifiers: Orphanet 3107, Orphanet 97360, MedGen C4225164, MONDO:0014819, OMIM 616894.

Submission:

Centre for Mendelian Genomics, University Medical Centre Ljubljana
Classification: Uncertain significance for Autosomal dominant Robinow syndrome 3. Last evaluated: 2019-11-20. Review status: criteria provided, single submitter. Criteria: ACMG Guidelines, 2015. Collection method: clinical testing. Allele origin: unknown. Affected: yes.
Comment: This variant was classified as: Uncertain significance. The available evidence on this variant's pathogenicity is insufficient or conflicting. The following ACMG criteria were applied in classifying this variant: PM2,PP3.